The following is an entry in ClinVar:

ClinVar aggregate classification (germline): Conflicting classifications of pathogenicity. Review status: criteria provided, conflicting classifications (1 of 4 stars). 2 submissions from 2 submitters: Likely pathogenic (1); Uncertain significance (1). Last evaluated 2023-12-06.

Conditions:
Cardiovascular phenotype. Identifiers: MedGen CN230736.
Autosomal recessive limb-girdle muscular dystrophy type 2J (LGMDR10). Also called: Limb-girdle muscular dystrophy, type 2J; MUSCULAR DYSTROPHY, LIMB-GIRDLE, AUTOSOMAL RECESSIVE 10. Identifiers: Orphanet 140922, MedGen C1837342, MONDO:0012127, OMIM 608807.
Dilated cardiomyopathy 1G (CMD1G). Identifiers: Orphanet 154, MedGen C1858763, MONDO:0011400, OMIM 604145.

Submissions (2):

Labcorp Genetics (formerly Invitae), Labcorp
Classification: Likely pathogenic for Dilated cardiomyopathy 1G; Autosomal recessive limb-girdle muscular dystrophy type 2J. Last evaluated: 2023-12-06. Review status: criteria provided, single submitter. Criteria: Invitae Variant Classification Sherloc (09022015). Collection method: clinical testing. Allele origin: germline.
Comment: This sequence change creates a premature translational stop signal (p.Leu33974Phefs*36) in the TTN gene. While this is not anticipated to result in nonsense mediated decay, it is expected to create a truncated TTN protein. This variant is not present in population databases (gnomAD no frequency). This variant has not been reported in the literature in individuals affected with TTN-related conditions. ClinVar contains an entry for this variant (Variation ID: 947696). This variant is located in the M band of TTN (PMID: 25589632). Truncating variants in this region have been previously reported in individuals affected with autosomal recessive myopathy and muscular dystrophy (PMID: 18948003, 23975875, 24395473). Truncating variants in this region have also been identified in individuals affected with autosomal dominant dilated cardiomyopathy and/or cardio-related conditions (PMID: 27869827, 32964742). In summary, the currently available evidence indicates that the variant is pathogenic, but additional data are needed to prove that conclusively. Therefore, this variant has been classified as Likely Pathogenic.

Ambry Genetics
Classification: Uncertain significance for Cardiovascular phenotype. Last evaluated: 2018-10-05. Review status: criteria provided, single submitter. Criteria: Ambry Variant Classification Scheme 2023. Collection method: clinical testing. Allele origin: germline.
Comment: The c.74725delC variant, located in coding exon 185 of the TTN gene, results from a deletion of one nucleotide at nucleotide position 74725, causing a translational frameshift with a predicted alternate stop codon (p.L24909Ffs*36). This exon is located in the M-band region of the N2-B isoform of the titin protein and is constitutively expressed in TTN transcripts (percent spliced in or PSI 100%). This alteration is expected to result in loss of function by premature protein truncation or nonsense-mediated mRNA decay. Truncating variants in the A-band of titin are the most common cause of dilated cardiomyopathy (DCM), and, regardless of their position, truncating variants encoded in constitutive exons (PSI >90%) have been found to be significantly associated with DCM (Herman DS et al. N. Engl. J. Med. 2012;366:619-28; Roberts AM et al. Sci Transl Med. 2015;7:270ra6; Schafer S et al. Nat. Genet. 2017;49:46-53). However, TTN truncating variants have also been reported in 1-3% of the general population (Herman DS et al. N. Engl. J. Med. 2012;366:619-28). Since supporting evidence is limited at this time, the clinical significance of this alteration remains unclear.

Literature cited by the submitters: PubMed 25589632 (cited by Labcorp Genetics (formerly Invitae), Labcorp); PubMed 18948003 (cited by Labcorp Genetics (formerly Invitae), Labcorp); PubMed 23975875 (cited by Labcorp Genetics (formerly Invitae), Labcorp); PubMed 24395473 (cited by Labcorp Genetics (formerly Invitae), Labcorp); PubMed 27869827 (cited by Labcorp Genetics (formerly Invitae), Labcorp); PubMed 32964742 (cited by Labcorp Genetics (formerly Invitae), Labcorp).

NM_001267550.2(TTN):c.101920del (p.Leu33974fs)

Genes: TTN (titin; minus strand), TTN-AS1 (TTN antisense RNA 1; plus strand). Cytogenetic location: 2q31.2.
Variant type: Deletion.
Coding change: c.101920del on transcript NM_001267550.2 (MANE Select); coding-DNA position 101920, one base deleted (C; older notation c.101920delC).
Protein change: p.Leu33974fs; shifts the reading frame from leucine 33974.
Molecular consequence: frameshift variant.
Genome position (GRCh38, 1-based): chr2:178,534,695, G deleted on the plus strand (C on the coding strand, the reverse complement: TTN is on the minus strand). VCF-style (leftmost placement, unchanged base first): chr2-178534694-AG-A. GRCh37 (hg19) VCF-style: chr2-179399421-AG-A.
Other names: c.74725delC (NM_003319.4); c.96997del, p.Leu32333fs (NM_001256850.1); c.74725del, p.Leu24909fs (NM_003319.4); c.94216del, p.Leu31406fs (NM_133378.4); c.75100del, p.Leu25034fs (NM_133432.3); c.75301del, p.Leu25101fs (NM_133437.4); short protein forms L24909fs, L25034fs, L25101fs, L31406fs, L32333fs, L33974fs.
Identifiers: ClinVar variation 947696 (VCV000947696.12), dbSNP rs1690665406, ClinGen allele CA1139657409.